The following is an entry in ClinVar:

NM_000497.4(CYP11B1):c.825del (p.Gln276fs)

Genes: CYP11B1 (cytochrome P450 family 11 subfamily B member 1; minus strand), LOC106799833 (CYP11B1 recombination region; plus strand). Cytogenetic location: 8q24.3.
Variant type: Deletion.
Coding change: c.825del on transcript NM_000497.4 (MANE Select); coding-DNA position 825, one base deleted (T; older notation c.825delT).
Protein change: p.Gln276fs; shifts the reading frame from glutamine 276.
Molecular consequence: frameshift variant.
Genome position (GRCh38, 1-based): chr8:142,876,370, A deleted on the plus strand (T on the coding strand, the reverse complement: CYP11B1 is on the minus strand). VCF-style (leftmost placement, unchanged base first): chr8-142876369-GA-G. GRCh37 (hg19) VCF-style: chr8-143957785-GA-G.
Other names: c.825del, p.Gln276fs (NM_001026213.1); short protein forms Q276fs.
Identifiers: ClinVar variation 5015486 (VCV005015486.1).

ClinVar aggregate classification (germline): Pathogenic (1 of 4 stars; one submission).

Conditions:
Deficiency of steroid 11-beta-monooxygenase (CYP11B1). Also called: ADRENAL HYPERPLASIA, CONGENITAL, DUE TO STEROID 11-BETA-HYDROXYLASE DEFICIENCY; 11-BETA-HYDROXYLASE DEFICIENCY; ADRENAL HYPERPLASIA IV; P450C11B1 DEFICIENCY; STEROID 11-BETA-HYDROXYLASE DEFICIENCY; Congenital adrenal hyperplasia due to 11-beta-hydroxylase deficiency. Identifiers: Orphanet 90795, MedGen C0268292, MONDO:0008729, OMIM 202010. Disease mechanism: loss of function.

Submission:

Myriad Genetics, Inc.
Classification: Pathogenic for Deficiency of steroid 11-beta-monooxygenase. Last evaluated: 2026-01-25. Review status: criteria provided, single submitter. Criteria: Myriad Autosomal Dominant, Autosomal Recessive and X-Linked Classification Criteria (2023). Collection method: clinical testing. Allele origin: unknown.
Comment: NM_000497.3(CYP11B1):c.825delT(Q276Rfs*20) is expected to be pathogenic in the context of congenital adrenal hyperplasia, CYP11B1-related. This variant is predicted to lead to an abnormal or absent protein product due to the creation of a premature termination codon in CYP11B1, a gene where loss-of-function variants are known to be pathogenic. Please note: this variant was assessed in the context of healthy population screening.